The following is an entry in ClinVar:

ClinVar aggregate classification (germline): Uncertain significance (1 of 4 stars; one submission).

Conditions:
Combined immunodeficiency due to OX40 deficiency. Also called: Immunodeficiency 16; OX40 DEFICIENCY. Identifiers: Orphanet 431149, MedGen C3810053, MONDO:0014268, OMIM 615593.

Submission:

Labcorp Genetics (formerly Invitae), Labcorp
Classification: Uncertain significance for Combined immunodeficiency due to OX40 deficiency. Last evaluated: 2025-04-09. Review status: criteria provided, single submitter. Criteria: Invitae Variant Classification Sherloc (09022015). Collection method: clinical testing. Allele origin: germline.
Comment: This sequence change replaces arginine, which is basic and polar, with proline, which is neutral and non-polar, at codon 260 of the TNFRSF4 protein (p.Arg260Pro). This variant is not present in population databases (gnomAD no frequency). This variant has not been reported in the literature in individuals affected with TNFRSF4-related conditions. ClinVar contains an entry for this variant (Variation ID: 2100020). An algorithm developed to predict the effect of missense changes on protein structure and function (PolyPhen-2) suggests that this variant is likely to be disruptive. In summary, the available evidence is currently insufficient to determine the role of this variant in disease. Therefore, it has been classified as a Variant of Uncertain Significance.

NM_003327.4(TNFRSF4):c.779G>C (p.Arg260Pro)

Gene: TNFRSF4 (TNF receptor superfamily member 4; minus strand). Cytogenetic location: 1p36.33.
Variant type: single nucleotide variant.
Coding change: c.779G>C on transcript NM_003327.4 (MANE Select); coding-DNA position 779, G replaced by C.
Protein change: p.Arg260Pro; replaces arginine 260 with proline.
Molecular consequence: missense variant.
Genome position (GRCh38, 1-based): chr1:1,211,610, C>G on the plus strand (G>C on the coding strand, the complement: TNFRSF4 is on the minus strand). VCF-style: chr1-1211610-C-G. GRCh37 (hg19) VCF-style: chr1-1146990-C-G.
Other names: c.857G>C, p.Arg286Pro (NM_001410709.1); short protein forms R260P, R286P.
Identifiers: ClinVar variation 2100020 (VCV002100020.4), dbSNP rs1197400104, ClinGen allele CA337798396.